The following is an entry in ClinVar:

ClinVar aggregate classification (germline): Uncertain significance (1 of 4 stars; one submission).

Conditions:
Spermatogenic failure, Y-linked, 2 (SPGFY2). Also called: AZOOSPERMIA, NONOBSTRUCTIVE, Y-LINKED; OLIGOSPERMIA, NONOBSTRUCTIVE, Y-LINKED; OLIGOZOOSPERMIA, NONOBSTRUCTIVE, Y-LINKED; SPERMATOGENIC ARREST, Y-LINKED; SPERMATOGENIC FAILURE, NONOBSTRUCTIVE, Y-LINKED. Identifiers: Orphanet 1646, MedGen C1839071, MONDO:0010767, OMIM 415000. Disease mechanism: loss of function.

Submission:

Juno Genomics, Hangzhou Juno Genomics, Inc
Classification: Uncertain significance for Spermatogenic failure, Y-linked, 2. Review status: criteria provided, single submitter. Criteria: ACMG Guidelines, 2015. Collection method: clinical testing. Allele origin: germline. Affected: yes.
Comment: Null variant in a gene where loss of function (LOF) is a known mechanism of disease.;Absent from controls (or at extremely low frequency if recessive) in Genome Aggregation Database, Exome Sequencing Project, 1000 Genomes Project, or Exome Aggregation Consortium.;Patient's phenotype or family history is highly specific for a disease with a single genetic etiology.

NM_004654.4(USP9Y):c.1774del (p.Gln592fs)

Gene: USP9Y (ubiquitin specific peptidase 9 Y-linked; plus strand). Cytogenetic location: Yq11.221.
Variant type: Deletion.
Coding change: c.1774del on transcript NM_004654.4 (MANE Select); coding-DNA position 1774, one base deleted (C; older notation c.1774delC).
Protein change: p.Gln592fs; shifts the reading frame from glutamine 592.
Molecular consequence: frameshift variant.
Genome position (GRCh38, 1-based): chrY:12,760,491, C deleted. VCF-style (leftmost placement, unchanged base first): chrY-12760490-TC-T. GRCh37 (hg19) VCF-style: chrY-14872420-TC-T.
Other names: short protein forms Q592fs.
Identifiers: ClinVar variation 3381939 (VCV003381939.2).
Genomic context (GRCh38, chrY:12,760,490, plus strand): 5'-AATTATAGCAATTTTCATGTGCCTTATTATACTGTTAAGTTCTTCTTATTTCAGTCAAAC[TC>T]AGCGAAGTCCCCACATATTTTATCGCCATGATTTAATCAACCAGCTTCAACAAAATCATG-3'